The following is an entry in ClinVar:

ClinVar aggregate classification (germline): Uncertain significance (1 of 4 stars; one submission).

Conditions:
Pontocerebellar hypoplasia type 1B. Also called: EXOSC3 Pontocerebellar Hypoplasia. Identifiers: Orphanet 2254, MedGen C3553449, MONDO:0013853, OMIM 614678.

Allele frequency attached by ClinVar (database versions not stated): gnomAD exomes below 0.00001.

Submission:

Labcorp Genetics (formerly Invitae), Labcorp
Classification: Uncertain significance for Pontocerebellar hypoplasia type 1B. Last evaluated: 2022-03-14. Review status: criteria provided, single submitter. Criteria: Invitae Variant Classification Sherloc (09022015). Collection method: clinical testing. Allele origin: germline.
Comment: In summary, the available evidence is currently insufficient to determine the role of this variant in disease. Therefore, it has been classified as a Variant of Uncertain Significance. Algorithms developed to predict the effect of missense changes on protein structure and function (SIFT, PolyPhen-2, Align-GVGD) all suggest that this variant is likely to be tolerated. This variant has not been reported in the literature in individuals affected with EXOSC3-related conditions. This variant is not present in population databases (gnomAD no frequency). This sequence change replaces leucine, which is neutral and non-polar, with histidine, which is basic and polar, at codon 224 of the EXOSC3 protein (p.Leu224His).

NM_016042.4(EXOSC3):c.671T>A (p.Leu224His)

Gene: EXOSC3 (exosome component 3; minus strand). Cytogenetic location: 9p13.2.
Variant type: single nucleotide variant.
Coding change: c.671T>A on transcript NM_016042.4 (MANE Select); coding-DNA position 671, T replaced by A.
Protein change: p.Leu224His; replaces leucine 224 with histidine.
Molecular consequence: missense variant. On other transcripts: 3 prime UTR variant (1).
Genome position (GRCh38, 1-based): chr9:37,780,836, A>T on the plus strand (T>A on the coding strand, the complement: EXOSC3 is on the minus strand). VCF-style: chr9-37780836-A-T. GRCh37 (hg19) VCF-style: chr9-37780833-A-T.
Other names: c.*24T>A (NM_001002269.2); short protein forms L224H.
Identifiers: ClinVar variation 2154660 (VCV002154660.2), dbSNP rs2489879954, ClinGen allele CA373474800.
Genomic context (GRCh38, chr9:37,780,836, plus strand): 5'-ATGGTTTTTGCCTTAACCCATATTCTTCCATTCATTCCAAATACTATCTCCAGTGGATAG[A>T]GTTTTCCCACTTCCTGTATGATTTCACAATCTGGAGCTAATAGCCTGGTGGGAAGAGAAA-3'
Protein context (NP_057126.2, residues 214-234): DCEIIQEVGK[Leu224His]YPLEIVFGMN